The following is an entry in ClinVar:

NM_000497.4(CYP11B1):c.1359dup (p.Arg454fs)

Genes: CYP11B1 (cytochrome P450 family 11 subfamily B member 1; minus strand), LOC106799833 (CYP11B1 recombination region; plus strand). Cytogenetic location: 8q24.3.
Variant type: Duplication.
Coding change: c.1359dup on transcript NM_000497.4 (MANE Select); coding-DNA position 1359, one base duplicated (G; older notation c.1359dupG).
Protein change: p.Arg454fs; shifts the reading frame from arginine 454.
Molecular consequence: frameshift variant. On other transcripts: intron variant (1).
Genome position (GRCh38, 1-based): chr8:142,874,996, C duplicated on the plus strand (G on the coding strand, the reverse complement: CYP11B1 is on the minus strand); the first of 2 consecutive C bases (chr8:142,874,996-142,874,997); duplicating either gives the same sequence. VCF-style (leftmost placement, unchanged base first): chr8-142874995-G-GC. GRCh37 (hg19) VCF-style: chr8-143956411-G-GC.
Other names: c.1200+238dup (NM_001026213.1); short protein forms R454fs.
Identifiers: ClinVar variation 1683257 (VCV001683257.3), dbSNP rs2130266157, ClinGen allele CA2573142966.

ClinVar aggregate classification (germline): Pathogenic/Likely pathogenic. Review status: criteria provided, multiple submitters, no conflicts (2 of 4 stars). 3 submissions from 3 submitters: Pathogenic (2); Likely pathogenic (1). Last evaluated 2023-06-05.

Conditions:
Deficiency of steroid 11-beta-monooxygenase (CYP11B1). Also called: ADRENAL HYPERPLASIA, CONGENITAL, DUE TO STEROID 11-BETA-HYDROXYLASE DEFICIENCY; P450C11B1 DEFICIENCY; STEROID 11-BETA-HYDROXYLASE DEFICIENCY; Congenital adrenal hyperplasia due to 11-beta-hydroxylase deficiency; ADRENAL HYPERPLASIA IV; 11-BETA-HYDROXYLASE DEFICIENCY. Identifiers: Orphanet 90795, MedGen C0268292, MONDO:0008729, OMIM 202010. Disease mechanism: loss of function.
Glucocorticoid-remediable aldosteronism. Also called: FH I; GLUCOCORTICOID-SUPPRESSIBLE HYPERALDOSTERONISM; Hyperaldosteronism, familial, type I; ACTH-DEPENDENT HYPERALDOSTERONISM SYNDROME; ALDOSTERONISM, SENSITIVE TO DEXAMETHASONE. Identifiers: Orphanet 403, MedGen C3838731, MONDO:0007080, OMIM 103900.
Congenital adrenal hyperplasia. Identifiers: Orphanet 418, MedGen C0001627, MONDO:0018479, HP:0008258.

Submissions (3):

Baylor Genetics
Classification: Pathogenic for Deficiency of steroid 11-beta-monooxygenase. Last evaluated: 2023-06-05. Review status: criteria provided, single submitter. Criteria: ACMG Guidelines, 2015. Collection method: clinical testing. Allele origin: unknown.

Women's Health and Genetics/Laboratory Corporation of America, LabCorp
Classification: Pathogenic for Congenital adrenal hyperplasia. Last evaluated: 2022-04-14. Review status: criteria provided, single submitter. Criteria: LabCorp Variant Classification Summary - May 2015. Collection method: clinical testing. Allele origin: germline.
Comment: Variant summary: CYP11B1 c.1359dupG (p.Arg454AlafsX84) causes a frameshift which results in an extension of the protein. The variant was absent in 251230 control chromosomes. c.1359dupG has been reported in the literature in individuals affected with Congenital Adrenal Hyperplasia, including at least one individual in the homozygous state (Zhang_2013, Wang_2021). A functional study showed the variant to result in less than 10% 11-hydroxylase activity in transfected cells (Zhang_2013). No clinical diagnostic laboratories have submitted clinical-significance assessments for this variant to ClinVar after 2014. Based on the evidence outlined above, the variant was classified as pathogenic.

Fulgent Genetics
Classification: Likely pathogenic for Glucocorticoid-remediable aldosteronism; Deficiency of steroid 11-beta-monooxygenase. Last evaluated: 2021-09-29. Review status: criteria provided, single submitter. Criteria: ACMG Guidelines, 2015. Collection method: clinical testing. Allele origin: unknown.

Literature cited by the submitters: PubMed 33864926 (cited by Women's Health and Genetics/Laboratory Corporation of America, LabCorp); PubMed 22964742 (cited by Women's Health and Genetics/Laboratory Corporation of America, LabCorp).